The following is an entry in ClinVar:

ClinVar aggregate classification (germline): Uncertain significance (1 of 4 stars; one submission).

Submission:

Labcorp Genetics (formerly Invitae), Labcorp
Classification: Uncertain significance. Last evaluated: 2025-07-01. Review status: criteria provided, single submitter. Criteria: Invitae Variant Classification Sherloc (09022015). Collection method: clinical testing. Allele origin: germline.
Comment: This sequence change replaces valine, which is neutral and non-polar, with methionine, which is neutral and non-polar, at codon 282 of the ROM1 protein (p.Val282Met). This variant is not present in population databases (gnomAD no frequency). This variant has not been reported in the literature in individuals affected with ROM1-related conditions. Invitae Evidence Modeling of protein sequence and biophysical properties (such as structural, functional, and spatial information, amino acid conservation, physicochemical variation, residue mobility, and thermodynamic stability) indicates that this missense variant is not expected to disrupt ROM1 protein function with a negative predictive value of 80%. In summary, the available evidence is currently insufficient to determine the role of this variant in disease. Therefore, it has been classified as a Variant of Uncertain Significance.

NM_000327.4(ROM1):c.844G>A (p.Val282Met)

Gene: ROM1 (retinal outer segment membrane protein 1; plus strand). Cytogenetic location: 11q12.3.
Variant type: single nucleotide variant.
Coding change: c.844G>A on transcript NM_000327.4 (MANE Select); coding-DNA position 844, G replaced by A.
Protein change: p.Val282Met; replaces valine 282 with methionine.
Molecular consequence: missense variant.
Genome position (GRCh38, 1-based): chr11:62,614,627, G>A. VCF-style: chr11-62614627-G-A. GRCh37 (hg19) VCF-style: chr11-62382099-G-A.
Other names: short protein forms V282M.
Identifiers: ClinVar variation 4710351 (VCV004710351.1).